The following is an entry in ClinVar:

ClinVar aggregate classification (germline): Pathogenic/Likely pathogenic. Review status: criteria provided, multiple submitters, no conflicts (2 of 4 stars). 6 submissions from 6 submitters: Pathogenic (3); Likely pathogenic (2). 1 of the submissions does not count toward it. Last evaluated 2025-02-10.

Conditions:
Hereditary cancer-predisposing syndrome. Also called: Tumor predisposition; Neoplastic Syndromes, Hereditary; Hereditary neoplastic syndrome; Hereditary Cancer Syndrome. Identifiers: Orphanet 140162, MedGen C0027672, MeSH D009386, MONDO:0015356.
Lynch-like syndrome.
Hereditary nonpolyposis colorectal neoplasms. Identifiers: MedGen C0009405, MeSH D003123.
Endometrial carcinoma. Also called: Endometrial carcinoma, somatic. Identifiers: MedGen C0476089, MONDO:0002447, OMIM 608089, HP:0012114.

Submissions (6):

Revvity Omics, Revvity
Classification: Likely pathogenic. Last evaluated: 2025-02-10. Review status: criteria provided, single submitter. Criteria: ACMG Guidelines, 2015. Collection method: clinical testing. Allele origin: germline.

Labcorp Genetics (formerly Invitae), Labcorp
Classification: Pathogenic for Hereditary nonpolyposis colorectal neoplasms. Last evaluated: 2024-03-26. Review status: criteria provided, single submitter. Criteria: Invitae Variant Classification Sherloc (09022015). Collection method: clinical testing. Allele origin: germline.
Comment: This sequence change creates a premature translational stop signal (p.Ser574*) in the MSH6 gene. It is expected to result in an absent or disrupted protein product. Loss-of-function variants in MSH6 are known to be pathogenic (PMID: 18269114, 24362816). This variant is not present in population databases (gnomAD no frequency). This variant has not been reported in the literature in individuals affected with MSH6-related conditions. ClinVar contains an entry for this variant (Variation ID: 851533). For these reasons, this variant has been classified as Pathogenic.

Ambry Genetics
Classification: Pathogenic for Hereditary cancer-predisposing syndrome. Last evaluated: 2023-07-17. Review status: criteria provided, single submitter. Criteria: Ambry Variant Classification Scheme 2023. Collection method: clinical testing. Allele origin: germline.
Comment: The p.S574* pathogenic mutation (also known as c.1721C>G), located in coding exon 4 of the MSH6 gene, results from a C to G substitution at nucleotide position 1721. This changes the amino acid from a serine to a stop codon within coding exon 4. This variant is considered to be rare based on population cohorts in the Genome Aggregation Database (gnomAD). This alteration is expected to result in loss of function by premature protein truncation or nonsense-mediated mRNA decay. As such, this alteration is interpreted as a disease-causing mutation.

Baylor Genetics
Classification: Likely pathogenic for Endometrial carcinoma. Last evaluated: 2022-05-25. Review status: criteria provided, single submitter. Criteria: ACMG Guidelines, 2015. Collection method: clinical testing. Allele origin: unknown.

GeneDx
Classification: Pathogenic. Last evaluated: 2021-11-10. Review status: criteria provided, single submitter. Criteria: GeneDx Variant Classification Process June 2021. Collection method: clinical testing. Allele origin: germline. Affected: yes.
Comment: Nonsense variant predicted to result in protein truncation or nonsense mediated decay in a gene for which loss-of-function is a known mechanism of disease; Not observed at significant frequency in large population cohorts (Lek 2016); Truncating variants in this gene are considered pathogenic by a well-established clinical consortium and/or database; Has not been previously published as pathogenic or benign to our knowledge

Constitutional Genetics Lab, Leon Berard Cancer Center
Classification: Pathogenic for Lynch-like syndrome. Last evaluated: 2019-07-01. Review status: no assertion criteria provided. Collection method: clinical testing. Allele origin: somatic. Affected: yes. Not counted in ClinVar's aggregate classification.

Literature cited by the submitters: PubMed 18269114 (cited by Labcorp Genetics (formerly Invitae), Labcorp); PubMed 24362816 (cited by Labcorp Genetics (formerly Invitae), Labcorp).

NM_000179.3(MSH6):c.1721C>G (p.Ser574Ter)

Gene: MSH6 (mutS homolog 6; plus strand). Cytogenetic location: 2p16.3.
Variant type: single nucleotide variant.
Coding change: c.1721C>G on transcript NM_000179.3 (MANE Select); coding-DNA position 1721, C replaced by G.
Protein change: p.Ser574Ter; replaces serine 574 with a stop codon.
Molecular consequence: nonsense.
Genome position (GRCh38, 1-based): chr2:47,799,704, C>G. VCF-style: chr2-47799704-C-G. GRCh37 (hg19) VCF-style: chr2-48026843-C-G.
Other names: c.1331C>G, p.Ser444Ter (NM_001281492.2); c.815C>G, p.Ser272Ter (NM_001281493.2, NM_001281494.2); short protein forms S574*, S272*, S444*.
Identifiers: ClinVar variation 851533 (VCV000851533.14), dbSNP rs1669365820, ClinGen allele CA346748685.